The following is an entry in ClinVar:

ClinVar aggregate classification (germline): Benign. Review status: criteria provided, multiple submitters, no conflicts (2 of 4 stars). 2 submissions from 2 submitters: Benign (2). Last evaluated 2018-06-14.

Allele frequency attached by ClinVar (database versions not stated): gnomAD 0.12721 and 0.13007; TOPMed 0.13912; 1000 Genomes Project 0.16434; 1000 Genomes Project 30x 0.16505.
gnomAD v4.1: 19,768 of 152,132 alleles (13%); highest among the groups gnomAD compares: East Asian, 29%; 1,594 homozygotes.

Submissions (2):

GeneDx
Classification: Benign. Last evaluated: 2018-06-14. Review status: criteria provided, single submitter. Criteria: GeneDx Variant Classification (06012015). Collection method: clinical testing. Allele origin: germline. Affected: yes.
Comment: This variant is considered likely benign or benign based on one or more of the following criteria: it is a conservative change, it occurs at a poorly conserved position in the protein, it is predicted to be benign by multiple in silico algorithms, and/or has population frequency not consistent with disease.

Breakthrough Genomics
Classification: Benign. Review status: criteria provided, single submitter. Criteria: ACMG Guidelines, 2015. Collection method: not provided. Allele origin: germline. Inheritance: Autosomal recessive inheritance. Affected: yes.

NM_001083961.2(WDR62):c.4154-162G>C

Gene: WDR62 (WD repeat domain 62; plus strand). Cytogenetic location: 19q13.12.
Variant type: single nucleotide variant.
Coding change: c.4154-162G>C on transcript NM_001083961.2 (MANE Select); 162 bases into the intron before coding-DNA position 4154, G replaced by C.
Molecular consequence: intron variant.
Genome position (GRCh38, 1-based): chr19:36,104,356, G>C. VCF-style: chr19-36104356-G-C. GRCh37 (hg19) VCF-style: chr19-36595258-G-C.
Other names: c.4139-162G>C (NM_173636.5).
Identifiers: ClinVar variation 672336 (VCV000672336.2), dbSNP rs2074436, ClinGen allele CA14721551.
Genomic context (GRCh38, chr19:36,104,356, plus strand): 5'-AGGGTGGGGACAGGGGTTGGGATTACAAACCAGAAGATAAGAAGAGGCTTCAGGGAGGAG[G>C]CTGCATTGGAGCAGAGACCTGTAGGAGTGAAGGGGAGGGAGCCTTGGGGACCCAGAGAAG-3'